The following is an entry in ClinVar:

NM_018163.3(DNAJC17):c.18G>C (p.Glu6Asp)

Genes: DNAJC17 (DnaJ heat shock protein family (Hsp40) member C17; minus strand), ZFYVE19 (zinc finger FYVE-type containing 19; plus strand), LOC130056871 (ATAC-STARR-seq lymphoblastoid active region 9265; plus strand). Cytogenetic location: 15q15.1.
Variant type: single nucleotide variant.
Coding change: c.18G>C on transcript NM_018163.3 (MANE Select); coding-DNA position 18, G replaced by C.
Protein change: p.Glu6Asp; replaces glutamic acid 6 with aspartic acid.
Molecular consequence: missense variant. On other transcripts: 5 prime UTR variant (3), intron variant (1).
Genome position (GRCh38, 1-based): chr15:40,807,429, C>G on the plus strand (G>C on the coding strand, the complement: DNAJC17 is on the minus strand). VCF-style: chr15-40807429-C-G. GRCh37 (hg19) VCF-style: chr15-41099627-C-G.
Other names: c.-161C>G (NM_001077268.2, NM_001258420.2); c.-489C>G (NM_001258421.2); c.125+16C>G (NM_032850.5); c.18G>C (NM_018163.2); short protein forms E6D.
Identifiers: ClinVar variation 2200653 (VCV002200653.5), dbSNP rs146679421, ClinGen allele CA7485379.

ClinVar aggregate classification (germline): Uncertain significance. Review status: criteria provided, multiple submitters, no conflicts (2 of 4 stars). 2 submissions from 2 submitters: Uncertain significance (2). Last evaluated 2026-02-01.

gnomAD v4.1: 20 of 1,614,156 alleles (0.0012%); highest among the groups gnomAD compares: Admixed American, 0.01%; no homozygotes.

Submissions (2):

Labcorp Genetics (formerly Invitae), Labcorp
Classification: Uncertain significance. Last evaluated: 2026-02-01. Review status: criteria provided, single submitter. Criteria: Invitae Variant Classification Sherloc (09022015). Collection method: clinical testing. Allele origin: germline.
Comment: This sequence change replaces glutamic acid, which is acidic and polar, with aspartic acid, which is acidic and polar, at codon 6 of the DNAJC17 protein (p.Glu6Asp). This variant is present in population databases (rs146679421, gnomAD 0.02%). This variant has not been reported in the literature in individuals affected with DNAJC17-related conditions. ClinVar contains an entry for this variant (Variation ID: 2200653). An algorithm developed to predict the effect of missense changes on protein structure and function (PolyPhen-2) suggests that this variant is likely to be tolerated. In summary, the available evidence is currently insufficient to determine the role of this variant in disease. Therefore, it has been classified as a Variant of Uncertain Significance.

Ambry Genetics
Classification: Uncertain significance. Last evaluated: 2025-04-25. Review status: criteria provided, single submitter. Criteria: Ambry Variant Classification Scheme 2023. Collection method: clinical testing. Allele origin: germline.